The following is an entry in ClinVar:

ClinVar aggregate classification (somatic clinical impact): Tier I - Strong (1 of 4 stars; one submission).

Conditions:
Medulloblastoma non-WNT/non-SHH group 3. Identifiers: MedGen C4330665, MONDO:0956966.

Submission:

Institute for Genomic Medicine (IGM) Clinical Laboratory, Nationwide Children's Hospital
Classification: Tier I - Strong for Medulloblastoma non-WNT/non-SHH group 3. Assertion type: diagnostic. Clinical significance: supports diagnosis. Last evaluated: 2022-12-06. Review status: criteria provided, single submitter. Criteria: AMP/ASCO/CAP Guidelines, 2017. Collection method: clinical testing. Allele origin: somatic. Affected: yes.
Comment: Variant has Tier I (strong) clinical significance as a diagnostic inclusion criterion in medulloblastoma non-WNT/non-SHH group 3, based on the following evidence: 1) Appears in one or more well-established professional guidelines (e.g., World Health Organization [WHO]; National Comprehensive Cancer Network [NCCN]) as providing diagnostic, prognostic, or therapeutic information. 2) Diagnostic for a specific tumor type/classification based on well-powered studies with expert-level consensus (Evidence Level B; PMIDs: 28726821, 35489737).

Literature cited by the submitters: PubMed 28726821; PubMed 35489737.

NM_003482.4(KMT2D):c.15650G>C (p.Trp5217Ser)

Gene: KMT2D (lysine methyltransferase 2D; minus strand). Cytogenetic location: 12q13.12.
Variant type: single nucleotide variant.
Coding change: c.15650G>C on transcript NM_003482.4 (MANE Select); coding-DNA position 15650, G replaced by C.
Protein change: p.Trp5217Ser; replaces tryptophan 5217 with serine.
Molecular consequence: missense variant.
Genome position (GRCh38, 1-based): chr12:49,026,316, C>G on the plus strand (G>C on the coding strand, the complement: KMT2D is on the minus strand). VCF-style: chr12-49026316-C-G. GRCh37 (hg19) VCF-style: chr12-49420099-C-G.
Other names: short protein forms W5217S.
Identifiers: ClinVar variation 4530502 (VCV004530502.1).
Genomic context (GRCh38, chr12:49,026,316, plus strand): 5'-CCGTTGTTCTCACCAATAGAACAGCGATAGCAGCAGCGACGATTGTTGGTGCGGAGGCTC[C>G]AATAGATGCGCGTGGCCTCGTAGCCCACGGGATAGAGGGCAGTGGCACTATGAAAGTCAG-3'
Protein context (NP_003473.3, residues 5207-5227): PVGYEATRIY[Trp5217Ser]SLRTNNRRCC